The following is an entry in ClinVar:

ClinVar aggregate classification (germline): Likely benign. Review status: criteria provided, multiple submitters, no conflicts (2 of 4 stars). 2 submissions from 2 submitters: Likely benign (2). Last evaluated 2026-08-01.

Conditions:
Juvenile onset Parkinson disease 19A. Also called: PARK19; DNAJC6 Parkinson Disease. Identifiers: Orphanet 391411, MedGen C3809811, MONDO:0014231, OMIM 615528.

Allele frequency attached by ClinVar (database versions not stated): ESP Exome Variant Server 0.00008; gnomAD 0.00008 and 0.00009; TOPMed 0.00014; ExAC 0.00015; gnomAD exomes 0.00017.
gnomAD v4.1: 220 of 1,613,982 alleles (0.014%); highest among the groups gnomAD compares: Admixed American, 0.018%; no homozygotes.

Submissions (2):

CeGaT Center for Human Genetics Tuebingen
Classification: Likely benign. Last evaluated: 2026-08-01. Review status: criteria provided, single submitter. Criteria: CeGaT Center For Human Genetics Tuebingen Variant Classification Criteria Version 2. Collection method: clinical testing. Allele origin: germline. Affected: yes. Observed: 2 variant alleles.
Comment: DNAJC6: BP4, BP7

Labcorp Genetics (formerly Invitae), Labcorp
Classification: Likely benign for Juvenile onset Parkinson disease 19A. Last evaluated: 2024-09-01. Review status: criteria provided, single submitter. Criteria: Invitae Variant Classification Sherloc (09022015). Collection method: clinical testing. Allele origin: germline.

NM_001256864.2(DNAJC6):c.2697C>T (p.Thr899=)

Gene: DNAJC6 (DnaJ heat shock protein family (Hsp40) member C6; plus strand). Cytogenetic location: 1p31.3.
Variant type: single nucleotide variant.
Coding change: c.2697C>T on transcript NM_001256864.2 (MANE Select); coding-DNA position 2697, C replaced by T.
Protein change: p.Thr899=; no amino-acid change (threonine 899 retained).
Molecular consequence: synonymous variant.
Genome position (GRCh38, 1-based): chr1:65,411,312, C>T. VCF-style: chr1-65411312-C-T. GRCh37 (hg19) VCF-style: chr1-65876995-C-T.
Other names: c.2487C>T, p.Thr829= (NM_001256865.2); c.2526C>T, p.Thr842= (NM_014787.4).
Identifiers: ClinVar variation 1657427 (VCV001657427.16), dbSNP rs149097758, ClinGen allele CA894215.